The following is an entry in ClinVar:

NM_000091.5(COL4A3):c.4191A>G (p.Gly1397=)

Genes: COL4A3 (collagen type IV alpha 3 chain; plus strand), MFF-DT (MFF divergent transcript; minus strand). Cytogenetic location: 2q36.3.
Variant type: single nucleotide variant.
Coding change: c.4191A>G on transcript NM_000091.5 (MANE Select); coding-DNA position 4191, A replaced by G.
Protein change: p.Gly1397=; no amino-acid change (glycine 1397 retained).
Molecular consequence: synonymous variant.
Genome position (GRCh38, 1-based): chr2:227,305,022, A>G. VCF-style: chr2-227305022-A-G. GRCh37 (hg19) VCF-style: chr2-228169738-A-G.
Identifiers: ClinVar variation 517580 (VCV000517580.13), dbSNP rs749383198, ClinGen allele CA2147468.

ClinVar aggregate classification (germline): Likely benign. Review status: criteria provided, multiple submitters, no conflicts (2 of 4 stars). 3 submissions from 3 submitters: Likely benign (3). Last evaluated 2025-09-20.

Allele frequency attached by ClinVar (database versions not stated): gnomAD exomes 0.00003 and 0.00002; ExAC 0.00004; gnomAD 0.00001.
gnomAD v4.1: 32 of 1,613,888 alleles (0.002%); highest among the groups gnomAD compares: South Asian, 0.035%; no homozygotes.

Submissions (3):

Labcorp Genetics (formerly Invitae), Labcorp
Classification: Likely benign. Last evaluated: 2025-09-20. Review status: criteria provided, single submitter. Criteria: Invitae Variant Classification Sherloc (09022015). Collection method: clinical testing. Allele origin: germline.

Blueprint Genetics
Classification: Likely benign. Last evaluated: 2023-12-29. Review status: criteria provided, single submitter. Criteria: ACMG Guidelines, 2015. Collection method: clinical testing. Allele origin: germline.

Laboratory for Molecular Medicine, Mass General Brigham Personalized Medicine
Classification: Likely benign. Last evaluated: 2017-08-23. Review status: criteria provided, single submitter. Criteria: LMM Criteria. Collection method: clinical testing. Allele origin: germline. Observed: 1 variant allele.
Comment: p.Gly1397Gly in exon 47 of COL4A3: This variant is not expected to have clinical significance because it does not alter an amino acid residue and is not located within the splice consensus sequence. It has been identified in 0.03% (5/15898) of South Asian chromosomes by the Exome Aggregation Consortium (ExAC; dbSNP rs749383198).